The following is an entry in ClinVar:

ClinVar aggregate classification (germline): Uncertain significance (1 of 4 stars; one submission).

gnomAD v4.1: 1 of 1,614,196 alleles (0.000062%); no homozygotes.

Submission:

GeneDx
Classification: Uncertain significance. Last evaluated: 2025-02-16. Review status: criteria provided, single submitter. Criteria: GeneDx Variant Classification Process June 2021. Collection method: clinical testing. Allele origin: germline.
Comment: Not observed at significant frequency in large population cohorts (gnomAD); In silico analysis supports that this missense variant has a deleterious effect on protein structure/function; Has not been previously published as pathogenic or benign to our knowledge

NM_001134407.3(GRIN2A):c.215T>C (p.Leu72Pro)

Gene: GRIN2A (glutamate ionotropic receptor NMDA type subunit 2A; minus strand). Cytogenetic location: 16p13.2.
Variant type: single nucleotide variant.
Coding change: c.215T>C on transcript NM_001134407.3 (MANE Select); coding-DNA position 215, T replaced by C.
Protein change: p.Leu72Pro; replaces leucine 72 with proline.
Molecular consequence: missense variant.
Genome position (GRCh38, 1-based): chr16:10,180,197, A>G on the plus strand (T>C on the coding strand, the complement: GRIN2A is on the minus strand). VCF-style: chr16-10180197-A-G. GRCh37 (hg19) VCF-style: chr16-10274054-A-G.
Other names: c.215T>C, p.Leu72Pro (NM_000833.5, NM_001134408.2); short protein forms L72P.
Identifiers: ClinVar variation 3375916 (VCV003375916.2).